The following is an entry in ClinVar:

NM_001267550.2(TTN):c.19003_19004del (p.Glu6334_Asp6335insTer)

Gene: TTN (titin; minus strand). Cytogenetic location: 2q31.2.
Variant type: Deletion.
Coding change: c.19003_19004del on transcript NM_001267550.2 (MANE Select); coding-DNA positions 19003 to 19004, 2 bases deleted (GA; older notation c.19003_19004delGA).
Protein change: p.Glu6334_Asp6335insTer.
Molecular consequence: nonsense. On other transcripts: intron variant (3).
Genome position (GRCh38, 1-based): chr2:178,729,034-178,729,035, TC deleted on the plus strand (GA on the coding strand, the reverse complement: TTN is on the minus strand); deleting any 2 consecutive bases within chr2:178,729,034-178,729,036 gives the same sequence; the c. name uses the placement nearest the transcript's 3' end. VCF-style (leftmost placement, unchanged base first): chr2-178729033-ATC-A. GRCh37 (hg19) VCF-style: chr2-179593760-ATC-A.
Other names: c.18052_18053del, p.Glu6017_Asp6018insTer (NM_001256850.1); c.15271_15272del, p.Glu5090_Asp5091insTer (NM_133378.4); c.13282+9047_13282+9048del (NM_003319.4); c.13858+9047_13858+9048del (NM_133437.4); c.13657+9047_13657+9048del (NM_133432.3).
Identifiers: ClinVar variation 4074722 (VCV004074722.1).

ClinVar aggregate classification (germline): Pathogenic (1 of 4 stars; one submission).

Conditions:
Hypertrophic cardiomyopathy 9. Also called: Familial hypertrophic cardiomyopathy 9. Identifiers: MedGen C1861065, MONDO:0013412, OMIM 613765.
Dilated cardiomyopathy 1G (CMD1G). Identifiers: Orphanet 154, MedGen C1858763, MONDO:0011400, OMIM 604145.

Submission:

Institute of Immunology and Genetics Kaiserslautern
Classification: Pathogenic for Dilated cardiomyopathy 1G; Hypertrophic cardiomyopathy 9. Last evaluated: 2025-05-07. Review status: criteria provided, single submitter. Criteria: ACMG Guidelines, 2015. Collection method: clinical testing. Allele origin: germline.
Comment: ACMG Criteria: PVS1, PM1, PM2; Variant was found in heterozygous state.